The following is an entry in ClinVar:

ClinVar aggregate classification (germline): Uncertain significance. Review status: criteria provided, multiple submitters, no conflicts (2 of 4 stars). 2 submissions from 2 submitters: Uncertain significance (2). Last evaluated 2026-09-02.

Conditions:
TTN-related disorder. Also called: TTN-related condition; TTN-related disease; TTN-related disorders.

gnomAD v4.1: 8 of 1,612,646 alleles (0.0005%); highest among the groups gnomAD compares: East Asian, 0.0045%; no homozygotes.

Submissions (2):

PreventionGenetics, part of Exact Sciences
Classification: Uncertain significance for TTN-related condition. Last evaluated: 2026-09-02. Review status: criteria provided, single submitter. Criteria: ACMG Guidelines, 2015. Collection method: clinical testing. Allele origin: germline.
Comment: The TTN c.60200T>C variant is predicted to result in the amino acid substitution p.Ile20067Thr. To our knowledge, this variant has not been reported in the literature. This variant is reported in 0.0056% of alleles in individuals of East Asian descent in gnomAD. At this time, the clinical significance of this variant is uncertain due to the absence of conclusive functional and genetic evidence.

Women's Health and Genetics/Laboratory Corporation of America, LabCorp
Classification: Uncertain significance. Last evaluated: 2024-10-06. Review status: criteria provided, single submitter. Criteria: LabCorp Variant Classification Summary - May 2015. Collection method: clinical testing. Allele origin: germline.

NM_001267550.2(TTN):c.60200T>C (p.Ile20067Thr)

Genes: TTN (titin; minus strand), TTN-AS1 (TTN antisense RNA 1; plus strand), LOC126806424 (CDK7 strongly-dependent group 2 enhancer GRCh37_chr2:179456337-179457536; plus strand). Cytogenetic location: 2q31.2.
Variant type: single nucleotide variant.
Coding change: c.60200T>C on transcript NM_001267550.2 (MANE Select); coding-DNA position 60200, T replaced by C.
Protein change: p.Ile20067Thr; replaces isoleucine 20067 with threonine.
Molecular consequence: missense variant.
Genome position (GRCh38, 1-based): chr2:178,591,619, A>G on the plus strand (T>C on the coding strand, the complement: TTN is on the minus strand). VCF-style: chr2-178591619-A-G. GRCh37 (hg19) VCF-style: chr2-179456346-A-G.
Other names: c.55277T>C, p.Ile18426Thr (NM_001256850.1); c.33005T>C, p.Ile11002Thr (NM_003319.4); c.52496T>C, p.Ile17499Thr (NM_133378.4); c.33380T>C, p.Ile11127Thr (NM_133432.3); c.33581T>C, p.Ile11194Thr (NM_133437.4); short protein forms I11002T, I11127T, I11194T, I17499T, I18426T, I20067T.
Identifiers: ClinVar variation 3384914 (VCV003384914.2).
Genomic context (GRCh38, chr2:178,591,619, plus strand): 5'-TTAAAAAGAAATAAGGTAATACTGCTAGTCCAAAAATTACCTAGTTTTTCTTGACATTCT[A>G]TCGGGATAGTTGTGTCAGGGAGACCAAGACCCACAATGTTTTCAGCTTTTACACGGAATC-3'
Protein context (NP_001254479.2, residues 20057-20077): GLGLPDTTIP[Ile20067Thr]ECQEKLVPPS